The following is an entry in ClinVar:

NM_016604.4(KDM3B):c.4616A>G (p.Lys1539Arg)

Gene: KDM3B (lysine demethylase 3B; plus strand). Cytogenetic location: 5q31.2.
Variant type: single nucleotide variant.
Coding change: c.4616A>G on transcript NM_016604.4 (MANE Select); coding-DNA position 4616, A replaced by G.
Protein change: p.Lys1539Arg; replaces lysine 1539 with arginine.
Molecular consequence: missense variant.
Genome position (GRCh38, 1-based): chr5:138,427,302, A>G. VCF-style: chr5-138427302-A-G. GRCh37 (hg19) VCF-style: chr5-137762991-A-G.
Other names: short protein forms K1539R.
Identifiers: ClinVar variation 3772123 (VCV003772123.13).
Genomic context (GRCh38, chr5:138,427,302, plus strand): 5'-GCAGGCTCAATCTGGCCTCTAGGCTACCTAGCTACTTTGTAAGGCCTGATCTGGGCCCCA[A>G]GATGTACAACGCCTATGGTATGAGGGAGAGGCTAAAATTGCTCTTTTGGGGGACTGTTGT-3'
Protein context (NP_057688.3, residues 1529-1549): SYFVRPDLGP[Lys1539Arg]MYNAYGLITA

ClinVar aggregate classification (germline): Likely pathogenic (1 of 4 stars; one submission).

Submission:

CeGaT Center for Human Genetics Tuebingen
Classification: Likely pathogenic. Last evaluated: 2024-12-01. Review status: criteria provided, single submitter. Criteria: CeGaT Center For Human Genetics Tuebingen Variant Classification Criteria Version 2. Collection method: clinical testing. Allele origin: germline. Affected: yes. Observed: 1 variant allele.
Comment: KDM3B: PM2, PS2:Moderate, PP2, PP3